The following is an entry in ClinVar:

NM_004628.5(XPC):c.2572A>G (p.Arg858Gly)

Gene: XPC (XPC complex subunit, DNA damage recognition and repair factor; minus strand). Cytogenetic location: 3p25.1.
Variant type: single nucleotide variant.
Coding change: c.2572A>G on transcript NM_004628.5 (MANE Select); coding-DNA position 2572, A replaced by G.
Protein change: p.Arg858Gly; replaces arginine 858 with glycine.
Molecular consequence: missense variant. On other transcripts: non-coding transcript variant (2).
Genome position (GRCh38, 1-based): chr3:14,147,322, T>C on the plus strand (A>G on the coding strand, the complement: XPC is on the minus strand). VCF-style: chr3-14147322-T-C. GRCh37 (hg19) VCF-style: chr3-14188822-T-C.
Other names: c.1993A>G, p.Arg665Gly (NM_001354726.2); c.2566A>G, p.Arg856Gly (NM_001354727.2); c.2554A>G, p.Arg852Gly (NM_001354729.2); c.2326A>G, p.Arg776Gly (NM_001354730.2); short protein forms R665G, R776G, R852G, R856G, R858G.
Identifiers: ClinVar variation 1692824 (VCV001692824.2), dbSNP rs779675386, ClinGen allele CA2267095.
Genomic context (GRCh38, chr3:14,147,322, plus strand): 5'-GTCTTCTCTGCAAAGAACCTGCACTGACCTTGGGCCCGTAGCGACGCTTCAGCCTCTCCC[T>C]GATGAGCAGACCTTTGGCCAGCAACTTCCAGTTCCCTAGAGCCCGCTTCTCCTTTTTCTG-3'
Protein context (NP_004619.3, residues 848-868): WKLLAKGLLI[Arg858Gly]ERLKRRYGPK

ClinVar aggregate classification (germline): Uncertain significance. Review status: criteria provided, multiple submitters, no conflicts (2 of 4 stars). 2 submissions from 2 submitters: Uncertain significance (2). Last evaluated 2024-05-29.

Conditions:
Inborn genetic diseases. Identifiers: MedGen C0950123, MeSH D030342.
Xeroderma pigmentosum (XP). Identifiers: Orphanet 910, MedGen C0043346, MONDO:0019600.

Allele frequency attached by ClinVar (database versions not stated): gnomAD 0.00001; gnomAD exomes 0.00002 and 0.00008; ExAC 0.00010.
gnomAD v4.1: 32 of 1,611,894 alleles (0.002%); highest among the groups gnomAD compares: South Asian, 0.034%; no homozygotes.

Submissions (2):

Ambry Genetics
Classification: Uncertain significance for Inborn genetic diseases. Last evaluated: 2024-05-29. Review status: criteria provided, single submitter. Criteria: Ambry Variant Classification Scheme 2023. Collection method: clinical testing. Allele origin: germline.

Sema4
Classification: Uncertain significance for Xeroderma pigmentosum. Last evaluated: 2021-10-12. Review status: criteria provided, single submitter. Criteria: Sema4 Curation Guidelines. Collection method: curation. Allele origin: germline.
Comment: The XPC c.2572A>G (p.R858G) variant has not been reported in the literature to our knowledge. It was observed in 18/29736 chromosomes of the South Asian subpopulation, with no homozygotes, in the large and broad cohorts of the Genome Aggregation Database (PMID: 32461654). The variant has not been reported in ClinVar. Functional studies have not been performed, and in silico predictions of the variant's effect on protein function are inconclusive. The evidence is insufficient to meet ACMG/AMP criteria for classifying the variant as benign or pathogenic. Thus, the clinical significance of this variant is currently uncertain.